The following is an entry in ClinVar:

NM_006531.5(IFT88):c.928A>C (p.Asn310His)

Gene: IFT88 (intraflagellar transport 88; plus strand). Cytogenetic location: 13q12.11.
Variant type: single nucleotide variant.
Coding change: c.928A>C on transcript NM_006531.5 (MANE Select); coding-DNA position 928, A replaced by C.
Protein change: p.Asn310His; replaces asparagine 310 with histidine.
Molecular consequence: missense variant. On other transcripts: non-coding transcript variant (5), intron variant (7).
Genome position (GRCh38, 1-based): chr13:20,601,820, A>C. VCF-style: chr13-20601820-A-C. GRCh37 (hg19) VCF-style: chr13-21175959-A-C.
Other names: c.871A>C, p.Asn291His (NM_001318491.2, NM_001353573.2, NM_001353575.2); c.955A>C, p.Asn319His (NM_001318493.2, NM_001353565.2, NM_001353566.2 and 2 more transcripts); c.884-31A>C (NM_001353570.2, NM_001353576.2, NM_001353577.2 and 1 more transcripts); c.857-31A>C (NM_001353571.2, NM_001353578.2); c.800-31A>C (NM_001353574.2); c.928A>C, p.Asn310His (NM_001353568.2, NM_001353572.2); c.295A>C, p.Asn99His (NM_001353579.2); short protein forms N310H, N319H, N99H, N291H.
Identifiers: ClinVar variation 2021060 (VCV002021060.4), dbSNP rs764026782, ClinGen allele CA6905222.

ClinVar aggregate classification (germline): Uncertain significance (1 of 4 stars; one submission).

Allele frequency attached by ClinVar (database versions not stated): TOPMed below 0.00001; ExAC 0.00001; gnomAD 0.00001.
gnomAD v4.1: 4 of 1,613,378 alleles (0.00025%); highest among the groups gnomAD compares: Admixed American, 0.0017%; no homozygotes.

Submission:

Labcorp Genetics (formerly Invitae), Labcorp
Classification: Uncertain significance. Last evaluated: 2024-12-02. Review status: criteria provided, single submitter. Criteria: Invitae Variant Classification Sherloc (09022015). Collection method: clinical testing. Allele origin: germline.
Comment: This sequence change replaces asparagine, which is neutral and polar, with histidine, which is basic and polar, at codon 319 of the IFT88 protein (p.Asn319His). This variant is present in population databases (rs764026782, gnomAD 0.003%). This variant has not been reported in the literature in individuals affected with IFT88-related conditions. ClinVar contains an entry for this variant (Variation ID: 2021060). An algorithm developed to predict the effect of missense changes on protein structure and function (PolyPhen-2) suggests that this variant is likely to be disruptive. In summary, the available evidence is currently insufficient to determine the role of this variant in disease. Therefore, it has been classified as a Variant of Uncertain Significance.